The following is an entry in ClinVar:

NM_002454.3(MTRR):c.346C>A (p.Gln116Lys)

Gene: MTRR (5-methyltetrahydrofolate-homocysteine methyltransferase reductase; plus strand). Cytogenetic location: 5p15.31.
Variant type: single nucleotide variant.
Coding change: c.346C>A on transcript NM_002454.3 (MANE Select); coding-DNA position 346, C replaced by A.
Protein change: p.Gln116Lys; replaces glutamine 116 with lysine.
Molecular consequence: missense variant. On other transcripts: non-coding transcript variant (14).
Genome position (GRCh38, 1-based): chr5:7,875,320, C>A. VCF-style: chr5-7875320-C-A. GRCh37 (hg19) VCF-style: chr5-7875433-C-A.
Other names: c.346C>A, p.Gln116Lys (NM_001364440.2, NM_001364441.2, NM_001364442.2 and 1 more transcripts); short protein forms Q116K.
Identifiers: ClinVar variation 354346 (VCV000354346.42), dbSNP rs202110383, ClinGen allele CA3195565.

ClinVar aggregate classification (germline): Conflicting classifications of pathogenicity. Review status: criteria provided, conflicting classifications (1 of 4 stars). 5 submissions from 5 submitters: Uncertain significance (2); Likely benign (2). 1 of the submissions does not count toward it. Last evaluated 2026-01-12.

Conditions:
Disorders of Intracellular Cobalamin Metabolism. Identifiers: MedGen CN043592.
Methylcobalamin deficiency type cblE (HMAE). Also called: VITAMIN B12-RESPONSIVE HOMOCYSTINURIA, cblE TYPE; HOMOCYSTINURIA-MEGALOBLASTIC ANEMIA, cblE COMPLEMENTATION TYPE; HOMOCYSTINURIA-MEGALOBLASTIC ANEMIA, cblE TYPE. Identifiers: Orphanet 2169, Orphanet 622, MedGen C1856057, MONDO:0009354, OMIM 236270.
Inborn genetic diseases. Identifiers: MedGen C0950123, MeSH D030342.

Allele frequency attached by ClinVar (database versions not stated): gnomAD 0.00005 and 0.00014; ESP Exome Variant Server 0.00008; TOPMed 0.00012; ExAC 0.00029; gnomAD exomes 0.00029; 1000 Genomes Project 30x 0.00047; 1000 Genomes Project 0.00060.

Submissions (5):

Labcorp Genetics (formerly Invitae), Labcorp
Classification: Uncertain significance for Methylcobalamin deficiency type cblE. Last evaluated: 2026-01-12. Review status: criteria provided, single submitter. Criteria: Invitae Variant Classification Sherloc (09022015). Collection method: clinical testing. Allele origin: germline.
Comment: This sequence change replaces glutamine, which is neutral and polar, with lysine, which is basic and polar, at codon 116 of the MTRR protein (p.Gln116Lys). This variant is present in population databases (rs202110383, gnomAD 0.2%). This variant has not been reported in the literature in individuals affected with MTRR-related conditions. ClinVar contains an entry for this variant (Variation ID: 354346). Invitae Evidence Modeling of protein sequence and biophysical properties (such as structural, functional, and spatial information, amino acid conservation, physicochemical variation, residue mobility, and thermodynamic stability) indicates that this missense variant is not expected to disrupt MTRR protein function with a negative predictive value of 80%. In summary, the available evidence is currently insufficient to determine the role of this variant in disease. Therefore, it has been classified as a Variant of Uncertain Significance.

CeGaT Center for Human Genetics Tuebingen
Classification: Likely benign. Last evaluated: 2023-10-01. Review status: criteria provided, single submitter. Criteria: CeGaT Center For Human Genetics Tuebingen Variant Classification Criteria Version 2. Collection method: clinical testing. Allele origin: germline. Affected: yes. Observed: 3 variant alleles.
Comment: MTRR: BP4

Ambry Genetics
Classification: Likely benign for Inborn genetic diseases. Last evaluated: 2022-09-14. Review status: criteria provided, single submitter. Criteria: Ambry Variant Classification Scheme 2023. Collection method: clinical testing. Allele origin: germline.

Illumina Laboratory Services, Illumina
Classification: Uncertain significance for Disorders of Intracellular Cobalamin Metabolism. Last evaluated: 2018-01-12. Review status: criteria provided, single submitter. Criteria: ICSL Variant Classification Criteria 13 December 2019. Collection method: clinical testing. Allele origin: germline.

Natera, Inc.
Classification: Uncertain significance for CblE complementation type homocystinuria-megaloblastic anemia due to defect in cobalamin metabolism. Last evaluated: 2020-01-27. Review status: no assertion criteria provided. Collection method: clinical testing. Allele origin: germline. Not counted in ClinVar's aggregate classification.